The following is an entry in ClinVar:

ClinVar aggregate classification (germline): Uncertain significance (1 of 4 stars; one submission).

Conditions:
Hypermethioninemia with deficiency of S-adenosylhomocysteine hydrolase. Identifiers: Orphanet 88618, MedGen C3151058, MONDO:0013404, OMIM 613752.

Allele frequency attached by ClinVar (database versions not stated): gnomAD exomes below 0.00001.
gnomAD v4.1: 3 of 1,614,154 alleles (0.00019%); highest among the groups gnomAD compares: African/African-American, 0.0013%; no homozygotes.

Submission:

Labcorp Genetics (formerly Invitae), Labcorp
Classification: Uncertain significance for Hypermethioninemia with deficiency of S-adenosylhomocysteine hydrolase. Last evaluated: 2022-11-08. Review status: criteria provided, single submitter. Criteria: Invitae Variant Classification Sherloc (09022015). Collection method: clinical testing. Allele origin: germline.
Comment: In summary, the available evidence is currently insufficient to determine the role of this variant in disease. Therefore, it has been classified as a Variant of Uncertain Significance. Advanced modeling of protein sequence and biophysical properties (such as structural, functional, and spatial information, amino acid conservation, physicochemical variation, residue mobility, and thermodynamic stability) performed at Invitae indicates that this missense variant is not expected to disrupt AHCY protein function. This variant has not been reported in the literature in individuals affected with AHCY-related conditions. This variant is present in population databases (no rsID available, gnomAD 0.007%). This sequence change replaces valine, which is neutral and non-polar, with methionine, which is neutral and non-polar, at codon 366 of the AHCY protein (p.Val366Met).

NM_000687.4(AHCY):c.1096G>A (p.Val366Met)

Gene: AHCY (adenosylhomocysteinase; minus strand). Cytogenetic location: 20q11.22.
Variant type: single nucleotide variant.
Coding change: c.1096G>A on transcript NM_000687.4 (MANE Select); coding-DNA position 1096, G replaced by A.
Protein change: p.Val366Met; replaces valine 366 with methionine.
Molecular consequence: missense variant.
Genome position (GRCh38, 1-based): chr20:34,285,511, C>T on the plus strand (G>A on the coding strand, the complement: AHCY is on the minus strand). VCF-style: chr20-34285511-C-T. GRCh37 (hg19) VCF-style: chr20-32873317-C-T.
Other names: c.1012G>A, p.Val338Met (NM_001161766.2, NM_001322084.2, NM_001322085.2); c.1102G>A, p.Val368Met (NM_001322086.2); c.1096G>A, p.Val366Met (NM_001362750.2); short protein forms V368M, V338M, V366M.
Identifiers: ClinVar variation 2059093 (VCV002059093.4), dbSNP rs937156772, ClinGen allele CA313345534.